The following is an entry in ClinVar:

NM_053025.4(MYLK):c.2285G>A (p.Cys762Tyr)

Gene: MYLK (myosin light chain kinase; minus strand). Cytogenetic location: 3q21.1.
Variant type: single nucleotide variant.
Coding change: c.2285G>A on transcript NM_053025.4 (MANE Select); coding-DNA position 2285, G replaced by A.
Protein change: p.Cys762Tyr; replaces cysteine 762 with tyrosine.
Molecular consequence: missense variant.
Genome position (GRCh38, 1-based): chr3:123,707,859, C>T on the plus strand (G>A on the coding strand, the complement: MYLK is on the minus strand). VCF-style: chr3-123707859-C-T. GRCh37 (hg19) VCF-style: chr3-123426706-C-T.
Other names: c.1757G>A, p.Cys586Tyr (NM_001321309.2); c.2078G>A, p.Cys693Tyr (NM_053026.4, NM_053028.4); c.2285G>A, p.Cys762Tyr (NM_053027.4); short protein forms C586Y, C693Y, C762Y.
Identifiers: ClinVar variation 4860616 (VCV004860616.1).

ClinVar aggregate classification (germline): Uncertain significance (1 of 4 stars; one submission).

Conditions:
Familial thoracic aortic aneurysm and aortic dissection (TAAD). Also called: Thoracic aortic aneurysms and dissections. Identifiers: Orphanet 91387, MedGen C4707243, MONDO:0019625.

Submission:

Ambry Genetics
Classification: Uncertain significance for Familial thoracic aortic aneurysm and aortic dissection. Last evaluated: 2026-04-27. Review status: criteria provided, single submitter. Criteria: Ambry Variant Classification Scheme 2023. Collection method: clinical testing. Allele origin: germline.
Comment: The p.C762Y variant (also known as c.2285G>A), located in coding exon 13 of the MYLK gene, results from a G to A substitution at nucleotide position 2285. The cysteine at codon 762 is replaced by tyrosine, an amino acid with highly dissimilar properties. This amino acid position is conserved. In addition, this alteration is predicted to be tolerated by in silico analysis. Based on the available evidence, the clinical significance of this variant remains unclear.